The following is an entry in ClinVar:

ClinVar aggregate classification (germline): Likely benign (1 of 4 stars; one submission).

gnomAD v4.1: 27 of 1,374,610 alleles (0.002%); highest among the groups gnomAD compares: Admixed American, 0.045%; no homozygotes.

Submission:

CeGaT Center for Human Genetics Tuebingen
Classification: Likely benign. Last evaluated: 2024-12-01. Review status: criteria provided, single submitter. Criteria: CeGaT Center For Human Genetics Tuebingen Variant Classification Criteria Version 2. Collection method: clinical testing. Allele origin: germline. Affected: yes. Observed: 1 variant allele.
Comment: ATN1: BP4, BP7

NM_001940.4(ATN1):c.1488G>A (p.Gln496=)

Genes: ATN1 (atrophin 1; plus strand), LOC109461484 (atrophin 1 repeat instability region; plus strand). Cytogenetic location: 12p13.31.
Variant type: single nucleotide variant.
Coding change: c.1488G>A on transcript NM_001940.4 (MANE Select); coding-DNA position 1488, G replaced by A.
Protein change: p.Gln496=; no amino-acid change (glutamine 496 retained).
Molecular consequence: synonymous variant.
Genome position (GRCh38, 1-based): chr12:6,936,755, G>A. VCF-style: chr12-6936755-G-A. GRCh37 (hg19) VCF-style: chr12-7045918-G-A.
Other names: c.1488G>A, p.Gln496= (NM_001007026.2, NM_001424176.1, NM_001424177.1 and 1 more transcripts); c.1485G>A, p.Gln495= (NM_001424179.1, NM_001424180.1).
Identifiers: ClinVar variation 3770763 (VCV003770763.13).